The following is an entry in ClinVar:

NM_003235.5(TG):c.3367G>A (p.Gly1123Ser)

Gene: TG (thyroglobulin; plus strand). Cytogenetic location: 8q24.22.
Variant type: single nucleotide variant.
Coding change: c.3367G>A on transcript NM_003235.5 (MANE Select); coding-DNA position 3367, G replaced by A.
Protein change: p.Gly1123Ser; replaces glycine 1123 with serine.
Molecular consequence: missense variant.
Genome position (GRCh38, 1-based): chr8:132,900,273, G>A. VCF-style: chr8-132900273-G-A. GRCh37 (hg19) VCF-style: chr8-133912518-G-A.
Other names: short protein forms G1123S.
Identifiers: ClinVar variation 392103 (VCV000392103.2), dbSNP rs1057524360, ClinGen allele CA16605983.

ClinVar aggregate classification (germline): Uncertain significance (1 of 4 stars; one submission).

Allele frequency attached by ClinVar (database versions not stated): gnomAD exomes below 0.00001.
gnomAD v4.1: 1 of 1,614,092 alleles (0.000062%); highest among the groups gnomAD compares: Non-Finnish European, 0.000085%; no homozygotes.

Submission:

GeneDx
Classification: Uncertain significance. Last evaluated: 2017-01-05. Review status: criteria provided, single submitter. Criteria: GeneDx Variant Classification (06012015). Collection method: clinical testing. Allele origin: germline. Affected: yes.
Comment: The G1123S variant in the TG gene has not been reported previously as a pathogenic variant, nor as a benign variant, to our knowledge. The G1123S variant was not observed in approximately 6500 individuals of European and African American ancestry in the NHLBI Exome Sequencing Project, indicating it is not a common benign variant in these populations. The G1123S variant is a non-conservative amino acid substitution, which is likely to impact secondary protein structure as these residues differ in polarity, charge, size and/or other properties. However, this substitution occurs at a position that is not conserved, and in silico analysis predicts this variant likely does not alter the protein structure/function. We interpret G1123S as a variant of uncertain significance.